The following is an entry in ClinVar:

NM_001042492.3(NF1):c.4431-14_4431-13del

Gene: NF1 (neurofibromin 1; plus strand). Cytogenetic location: 17q11.2.
Variant type: Deletion.
Coding change: c.4431-14_4431-13del on transcript NM_001042492.3 (MANE Select); 14 bases into the intron before coding-DNA position 4431 through 13 bases into the intron before coding-DNA position 4431, 2 bases deleted (TT; older notation c.4431-14_4431-13delTT).
Molecular consequence: intron variant.
Genome position (GRCh38, 1-based): chr17:31,260,355-31,260,356, TT deleted; deleting any 2 consecutive bases within chr17:31,260,354-31,260,356 gives the same sequence; the c. name uses the placement nearest the transcript's 3' end. VCF-style (leftmost placement, unchanged base first): chr17-31260353-CTT-C. GRCh37 (hg19) VCF-style: chr17-29587371-CTT-C.
Other names: c.4368-14_4368-13del (NM_000267.4).
Identifiers: ClinVar variation 2143636 (VCV002143636.4), dbSNP rs2508420230, ClinGen allele CA2580093061.

ClinVar aggregate classification (germline): Uncertain significance (1 of 4 stars; one submission).

Conditions:
Neurofibromatosis, type 1 (NF1). Also called: Neurofibromatosis, type I; VON RECKLINGHAUSEN DISEASE; Peripheral type neurofibromatosis; NEUROFIBROMATOSIS, TYPE I, SOMATIC. Identifiers: Orphanet 636, MedGen C0027831, MONDO:0018975, OMIM 162200. Disease mechanism: loss of function.

Submission:

Labcorp Genetics (formerly Invitae), Labcorp
Classification: Uncertain significance for Neurofibromatosis, type 1. Last evaluated: 2026-02-01. Review status: criteria provided, single submitter. Criteria: Invitae Variant Classification Sherloc (09022015). Collection method: clinical testing. Allele origin: germline.
Comment: This sequence change falls in intron 32 of the NF1 gene. It does not directly change the encoded amino acid sequence of the NF1 protein. This variant is not present in population databases (gnomAD no frequency). This variant has not been reported in the literature in individuals affected with NF1-related conditions. ClinVar contains an entry for this variant (Variation ID: 2143636). Algorithms developed to predict the effect of sequence changes on RNA splicing suggest that this variant may disrupt the consensus splice site. In summary, the available evidence is currently insufficient to determine the role of this variant in disease. Therefore, it has been classified as a Variant of Uncertain Significance.